The following is an entry in ClinVar:

ClinVar aggregate classification (germline): Uncertain significance (1 of 4 stars; one submission).

Conditions:
Frontotemporal dementia and/or amyotrophic lateral sclerosis 4. Also called: FTDALS4. Identifiers: Orphanet 275872, MedGen C4225325, MONDO:0014641, OMIM 616439.

Submission:

Labcorp Genetics (formerly Invitae), Labcorp
Classification: Uncertain significance for Frontotemporal dementia and/or amyotrophic lateral sclerosis 4. Last evaluated: 2025-04-17. Review status: criteria provided, single submitter. Criteria: Invitae Variant Classification Sherloc (09022015). Collection method: clinical testing. Allele origin: germline.
Comment: This sequence change replaces alanine, which is neutral and non-polar, with threonine, which is neutral and polar, at codon 367 of the TBK1 protein (p.Ala367Thr). This variant is not present in population databases (gnomAD no frequency). This variant has not been reported in the literature in individuals affected with TBK1-related conditions. Invitae Evidence Modeling of protein sequence and biophysical properties (such as structural, functional, and spatial information, amino acid conservation, physicochemical variation, residue mobility, and thermodynamic stability) indicates that this missense variant is not expected to disrupt TBK1 protein function with a negative predictive value of 95%. In summary, the available evidence is currently insufficient to determine the role of this variant in disease. Therefore, it has been classified as a Variant of Uncertain Significance.

NM_013254.4(TBK1):c.1099G>A (p.Ala367Thr)

Gene: TBK1 (TANK binding kinase 1; plus strand). Cytogenetic location: 12q14.2.
Variant type: single nucleotide variant.
Coding change: c.1099G>A on transcript NM_013254.4 (MANE Select); coding-DNA position 1099, G replaced by A.
Protein change: p.Ala367Thr; replaces alanine 367 with threonine.
Molecular consequence: missense variant.
Genome position (GRCh38, 1-based): chr12:64,484,409, G>A. VCF-style: chr12-64484409-G-A. GRCh37 (hg19) VCF-style: chr12-64878189-G-A.
Other names: short protein forms A367T.
Identifiers: ClinVar variation 4747920 (VCV004747920.1).